The following is an entry in ClinVar:

NM_198578.4(LRRK2):c.3145T>A (p.Ser1049Thr)

Gene: LRRK2 (leucine rich repeat kinase 2; plus strand). Cytogenetic location: 12q12.
Variant type: single nucleotide variant.
Coding change: c.3145T>A on transcript NM_198578.4 (MANE Select); coding-DNA position 3145, T replaced by A.
Protein change: p.Ser1049Thr; replaces serine 1049 with threonine.
Molecular consequence: missense variant.
Genome position (GRCh38, 1-based): chr12:40,298,291, T>A. VCF-style: chr12-40298291-T-A. GRCh37 (hg19) VCF-style: chr12-40692093-T-A.
Other names: short protein forms S1049T.
Identifiers: ClinVar variation 3229595 (VCV003229595.1), dbSNP rs2499745115, ClinGen allele CA384414200.

ClinVar aggregate classification (germline): Uncertain significance (1 of 4 stars; one submission).

Conditions:
Inborn genetic diseases. Identifiers: MedGen C0950123, MeSH D030342.

Submission:

Ambry Genetics
Classification: Uncertain significance for Inborn genetic diseases. Last evaluated: 2024-03-14. Review status: criteria provided, single submitter. Criteria: Ambry Variant Classification Scheme 2023. Collection method: clinical testing. Allele origin: germline.
Comment: The p.S1049T variant (also known as c.3145T>A), located in coding exon 24 of the LRRK2 gene, results from a T to A substitution at nucleotide position 3145. The serine at codon 1049 is replaced by threonine, an amino acid with similar properties. This amino acid position is conserved. In addition, this alteration is predicted to be tolerated by in silico analysis. Based on the available evidence, the clinical significance of this alteration remains unclear.